The following is an entry in ClinVar:

NM_017654.4(SAMD9):c.4372C>A (p.Gln1458Lys)

Gene: SAMD9 (sterile alpha motif domain containing 9; minus strand). Cytogenetic location: 7q21.2.
Variant type: single nucleotide variant.
Coding change: c.4372C>A on transcript NM_017654.4 (MANE Select); coding-DNA position 4372, C replaced by A.
Protein change: p.Gln1458Lys; replaces glutamine 1458 with lysine.
Molecular consequence: missense variant.
Genome position (GRCh38, 1-based): chr7:93,101,726, G>T on the plus strand (C>A on the coding strand, the complement: SAMD9 is on the minus strand). VCF-style: chr7-93101726-G-T. GRCh37 (hg19) VCF-style: chr7-92731039-G-T.
Other names: c.4372C>A, p.Gln1458Lys (NM_001193307.2); short protein forms Q1458K.
Identifiers: ClinVar variation 4629940 (VCV004629940.1).
Genomic context (GRCh38, chr7:93,101,726, plus strand): 5'-TTGGTTGCTTTGTACGATGCATATGTTTATATTGCCCCTTGAAAGAATTTTTTAGTGCTT[G>T]AGCATACTCTTTCATTTGTTCAGAATGTTGATCTAGTTGTTGATTTTCTGGCCAGAATAA-3'
Protein context (NP_060124.2, residues 1448-1468): QHSEQMKEYA[Gln1458Lys]ALKNSFKGQY

ClinVar aggregate classification (germline): Uncertain significance (1 of 4 stars; one submission).

Conditions:
Inborn genetic diseases. Identifiers: MedGen C0950123, MeSH D030342.

Submission:

Ambry Genetics
Classification: Uncertain significance for Inborn genetic diseases. Last evaluated: 2025-11-11. Review status: criteria provided, single submitter. Criteria: Ambry Variant Classification Scheme 2023. Collection method: clinical testing. Allele origin: germline.
Comment: The p.Q1458K variant (also known as c.4372C>A), located in coding exon 1 of the SAMD9 gene, results from a C to A substitution at nucleotide position 4372. The glutamine at codon 1458 is replaced by lysine, an amino acid with similar properties. This amino acid position is conserved. In addition, this alteration is predicted to be tolerated by in silico analysis. Based on the available evidence, the clinical significance of this variant remains unclear.